The following is an entry in ClinVar:

ClinVar aggregate classification (germline): Uncertain significance (1 of 4 stars; one submission).

Conditions:
Methylmalonic aciduria, cblB type (MACB). Also called: Methylmalonic acidemia cblB type; METHYLMALONIC ACIDURIA, VITAMIN B12-RESPONSIVE, DUE TO DEFECT IN SYNTHESIS OF ADENOSYLCOBALAMIN, cblB TYPE; Vitamin B12-responsive methylmalonic acidemia type cblB. Identifiers: Orphanet 28, Orphanet 79311, MedGen C1855102, MONDO:0009614, OMIM 251110.

Allele frequency attached by ClinVar (database versions not stated): gnomAD exomes 0.00001; ExAC 0.00003.
gnomAD v4.1: 10 of 1,610,092 alleles (0.00062%); highest among the groups gnomAD compares: Non-Finnish European, 0.00085%; no homozygotes.

Submission:

Labcorp Genetics (formerly Invitae), Labcorp
Classification: Uncertain significance for Methylmalonic aciduria, cblB type. Last evaluated: 2022-03-18. Review status: criteria provided, single submitter. Criteria: Invitae Variant Classification Sherloc (09022015). Collection method: clinical testing. Allele origin: germline.
Comment: This sequence change replaces aspartic acid, which is acidic and polar, with asparagine, which is neutral and polar, at codon 218 of the MMAB protein (p.Asp218Asn). This variant is present in population databases (rs762457418, gnomAD 0.004%). This variant has not been reported in the literature in individuals affected with MMAB-related conditions. Algorithms developed to predict the effect of missense changes on protein structure and function are either unavailable or do not agree on the potential impact of this missense change (SIFT: "Tolerated"; PolyPhen-2: "Probably Damaging"; Align-GVGD: "Class C0"). Experimental studies have shown that this missense change affects MMAB function (PMID: 18251506). In summary, the available evidence is currently insufficient to determine the role of this variant in disease. Therefore, it has been classified as a Variant of Uncertain Significance.

Literature cited by the submitters: PubMed 18251506.

NM_052845.4(MMAB):c.652G>A (p.Asp218Asn)

Gene: MMAB (metabolism of cobalamin associated B; minus strand). Cytogenetic location: 12q24.11.
Variant type: single nucleotide variant.
Coding change: c.652G>A on transcript NM_052845.4 (MANE Select); coding-DNA position 652, G replaced by A.
Protein change: p.Asp218Asn; replaces aspartic acid 218 with asparagine.
Molecular consequence: missense variant. On other transcripts: non-coding transcript variant (1).
Genome position (GRCh38, 1-based): chr12:109,557,129, C>T on the plus strand (G>A on the coding strand, the complement: MMAB is on the minus strand). VCF-style: chr12-109557129-C-T. GRCh37 (hg19) VCF-style: chr12-109994934-C-T.
Other names: short protein forms D218N.
Identifiers: ClinVar variation 1908775 (VCV001908775.2), dbSNP rs762457418, ClinGen allele CA6778768.